The following is an entry in ClinVar:

ClinVar aggregate classification (germline): Uncertain significance. Review status: criteria provided, multiple submitters, no conflicts (2 of 4 stars). 2 submissions from 2 submitters: Uncertain significance (2). Last evaluated 2023-10-20.

Allele frequency attached by ClinVar (database versions not stated): TOPMed below 0.00001.

Submissions (2):

Labcorp Genetics (formerly Invitae), Labcorp
Classification: Uncertain significance. Last evaluated: 2023-10-20. Review status: criteria provided, single submitter. Criteria: Invitae Variant Classification Sherloc (09022015). Collection method: clinical testing. Allele origin: germline.
Comment: This sequence change affects codon 456 of the SLC45A2 mRNA. It is a 'silent' change, meaning that it does not change the encoded amino acid sequence of the SLC45A2 protein. This variant also falls at the last nucleotide of exon 6, which is part of the consensus splice site for this exon. This variant is not present in population databases (gnomAD no frequency). This variant has been observed in individual(s) with clinical features of ocular albinism (Invitae). In at least one individual the data is consistent with being in trans (on the opposite chromosome) from a pathogenic variant. ClinVar contains an entry for this variant (Variation ID: 1316442). Variants that disrupt the consensus splice site are a relatively common cause of aberrant splicing (PMID: 17576681, 9536098). Algorithms developed to predict the effect of sequence changes on RNA splicing suggest that this variant may disrupt the consensus splice site. In summary, the available evidence is currently insufficient to determine the role of this variant in disease. Therefore, it has been classified as a Variant of Uncertain Significance.

GeneDx
Classification: Uncertain significance. Last evaluated: 2019-10-30. Review status: criteria provided, single submitter. Criteria: GeneDx Variant Classification Process June 2021. Collection method: clinical testing. Allele origin: germline. Affected: yes.
Comment: Synonymous amino acid substitution; In silico analysis, which includes splice predictors and evolutionary conservation, supports a deleterious effect; Not observed in large population cohorts (Lek et al., 2016); Has not been previously published as pathogenic or benign to our knowledge

Literature cited by the submitters: PubMed 17576681 (cited by Labcorp Genetics (formerly Invitae), Labcorp); PubMed 9536098 (cited by Labcorp Genetics (formerly Invitae), Labcorp).

NM_016180.5(SLC45A2):c.1368G>A (p.Glu456=)

Gene: SLC45A2 (solute carrier family 45 member 2; minus strand). Cytogenetic location: 5p13.2.
Variant type: single nucleotide variant.
Coding change: c.1368G>A on transcript NM_016180.5 (MANE Select); coding-DNA position 1368, G replaced by A.
Protein change: p.Glu456=; no amino-acid change (glutamic acid 456 retained).
Molecular consequence: synonymous variant.
Genome position (GRCh38, 1-based): chr5:33,947,163, C>T on the plus strand (G>A on the coding strand, the complement: SLC45A2 is on the minus strand). VCF-style: chr5-33947163-C-T. GRCh37 (hg19) VCF-style: chr5-33947268-C-T.
Other names: c.1368G>A, p.Glu456= (NM_001012509.4).
Identifiers: ClinVar variation 1316442 (VCV001316442.5), dbSNP rs1751954595, ClinGen allele CA443802660.